The following is an entry in ClinVar:

ClinVar aggregate classification (germline): Uncertain significance (1 of 4 stars; one submission).

Submission:

Labcorp Genetics (formerly Invitae), Labcorp
Classification: Uncertain significance. Last evaluated: 2024-10-29. Review status: criteria provided, single submitter. Criteria: Invitae Variant Classification Sherloc (09022015). Collection method: clinical testing. Allele origin: germline.
Comment: This sequence change falls in intron 31 of the CDK5RAP2 gene. It does not directly change the encoded amino acid sequence of the CDK5RAP2 protein. It affects a nucleotide within the consensus splice site. This variant is not present in population databases (gnomAD no frequency). This variant has not been reported in the literature in individuals affected with CDK5RAP2-related conditions. ClinVar contains an entry for this variant (Variation ID: 1965620). Variants that disrupt the consensus splice site are a relatively common cause of aberrant splicing (PMID: 17576681, 9536098). Algorithms developed to predict the effect of sequence changes on RNA splicing suggest that this variant is not likely to affect RNA splicing. In summary, the available evidence is currently insufficient to determine the role of this variant in disease. Therefore, it has been classified as a Variant of Uncertain Significance.

Literature cited by the submitters: PubMed 17576681; PubMed 9536098.

NM_018249.6(CDK5RAP2):c.4726+5T>A

Gene: CDK5RAP2 (CDK5 regulatory subunit associated protein 2; minus strand). Cytogenetic location: 9q33.2.
Variant type: single nucleotide variant.
Coding change: c.4726+5T>A on transcript NM_018249.6 (MANE Select); 5 bases into the intron after coding-DNA position 4726, T replaced by A.
Molecular consequence: intron variant.
Genome position (GRCh38, 1-based): chr9:120,408,342, A>T on the plus strand (T>A on the coding strand, the complement: CDK5RAP2 is on the minus strand). VCF-style: chr9-120408342-A-T. GRCh37 (hg19) VCF-style: chr9-123170620-A-T.
Other names: c.4036+5T>A (NM_001272039.2); c.4726+5T>A (NM_001011649.3).
Identifiers: ClinVar variation 1965620 (VCV001965620.5), dbSNP rs2538893254, ClinGen allele CA2580079485.